The following is an entry in ClinVar:

NM_001363711.2(DUOX2):c.*591C>T

Gene: DUOX2 (dual oxidase 2; minus strand). Cytogenetic location: 15q21.1.
Variant type: single nucleotide variant.
Coding change: c.*591C>T on transcript NM_001363711.2 (MANE Select); 591 bases downstream of the stop codon, C replaced by T.
Molecular consequence: 3 prime UTR variant.
Genome position (GRCh38, 1-based): chr15:45,093,559, G>A on the plus strand (C>T on the coding strand, the complement: DUOX2 is on the minus strand). VCF-style: chr15-45093559-G-A. GRCh37 (hg19) VCF-style: chr15-45385757-G-A.
Other names: c.*591C>T (NM_014080.5).
Identifiers: ClinVar variation 885813 (VCV000885813.4), dbSNP rs11070441, ClinGen allele CA270115653.

ClinVar aggregate classification (germline): Likely benign (1 of 4 stars; one submission).

Conditions:
Thyroid dyshormonogenesis 6 (TDH6). Also called: HYPOTHYROIDISM, CONGENITAL, DUE TO DYSHORMONOGENESIS, 6; THYROID HORMONOGENESIS, GENETIC DEFECT IN, 6; Genetic transient congenital hypothyroidism. Identifiers: Orphanet 226316, Orphanet 95716, MedGen C1846632, MONDO:0011792, OMIM 607200.

Allele frequency attached by ClinVar (database versions not stated): gnomAD exomes 0.00270; TOPMed 0.02382; 1000 Genomes Project 0.02596; 1000 Genomes Project 30x 0.02748.
gnomAD v4.1: 3,321 of 155,266 alleles (2.1%); highest among the groups gnomAD compares: African/African-American, 7.4%; 122 homozygotes.

Submission:

Illumina Laboratory Services, Illumina
Classification: Likely benign for Thyroid dyshormonogenesis 6. Last evaluated: 2018-01-12. Review status: criteria provided, single submitter. Criteria: ICSL Variant Classification Criteria 13 December 2019. Collection method: clinical testing. Allele origin: germline.
Comment: This variant was observed in the ICSL laboratory as part of a predisposition screen in an ostensibly healthy population. It had not been previously curated by ICSL or reported in the Human Gene Mutation Database (HGMD: prior to June 1st, 2018), and was therefore a candidate for classification through an automated scoring system. Utilizing variant allele frequency, disease prevalence and penetrance estimates, and inheritance mode, an automated score was calculated to assess if this variant is too frequent to cause the disease. Based on the score and internal cut-off values, a variant classified as likely benign is not then subjected to further curation. The score for this variant resulted in a classification of likely benign for this disease.